The following is an entry in ClinVar:

ClinVar aggregate classification (germline): Uncertain significance (1 of 4 stars; one submission).

Conditions:
Immunodeficiency 39 (IMD39). Identifiers: Orphanet 574918, MedGen C4225358, MONDO:0014597, OMIM 616345.

Allele frequency attached by ClinVar (database versions not stated): gnomAD exomes 0.00001.

Submission:

Labcorp Genetics (formerly Invitae), Labcorp
Classification: Uncertain significance for Immunodeficiency 39. Last evaluated: 2022-09-09. Review status: criteria provided, single submitter. Criteria: Invitae Variant Classification Sherloc (09022015). Collection method: clinical testing. Allele origin: germline.
Comment: In summary, the available evidence is currently insufficient to determine the role of this variant in disease. Therefore, it has been classified as a Variant of Uncertain Significance. Algorithms developed to predict the effect of missense changes on protein structure and function (SIFT, PolyPhen-2, Align-GVGD) all suggest that this variant is likely to be tolerated. This variant has not been reported in the literature in individuals affected with IRF7-related conditions. This variant is not present in population databases (gnomAD no frequency). This sequence change replaces histidine, which is basic and polar, with tyrosine, which is neutral and polar, at codon 176 of the IRF7 protein (p.His176Tyr).

NM_001572.5(IRF7):c.487C>T (p.His163Tyr)

Gene: IRF7 (interferon regulatory factor 7; minus strand). Cytogenetic location: 11p15.5.
Variant type: single nucleotide variant.
Coding change: c.487C>T on transcript NM_001572.5 (MANE Select); coding-DNA position 487, C replaced by T.
Protein change: p.His163Tyr; replaces histidine 163 with tyrosine.
Molecular consequence: missense variant.
Genome position (GRCh38, 1-based): chr11:614,366, G>A on the plus strand (C>T on the coding strand, the complement: IRF7 is on the minus strand). VCF-style: chr11-614366-G-A. GRCh37 (hg19) VCF-style: chr11-614366-G-A.
Other names: c.487C>T, p.His163Tyr (NM_004029.4); c.526C>T, p.His176Tyr (NM_004031.4); short protein forms H163Y, H176Y.
Identifiers: ClinVar variation 1918886 (VCV001918886.5), dbSNP rs2493928585, ClinGen allele CA378982299.
Genomic context (GRCh38, chr11:614,366, plus strand): 5'-GGAGGTCCCCCTTGTCACCAGCTGGGGCAGGGAGGGGGCCTGGGGCTTGGAGTCCAGCAT[G>A]TGTGTGTGCCAGGAATGGCCCTGGGGGCCCACCCTGCAGGGAAAAGTCAGGGTGAACGTA-3'
Protein context (NP_001563.2, residues 153-173): GPPGPFLAHT[His163Tyr]AGLQAPGPLP